The following is an entry in ClinVar:

ClinVar aggregate classification (germline): Uncertain significance (1 of 4 stars; one submission).

Conditions:
KDM6B-related developmental disorder (monoallelic).

Submission:

Dasa
Classification: Uncertain significance for KDM6B-related developmental disorder (monoallelic). Last evaluated: 2024-12-11. Review status: criteria provided, single submitter. Criteria: DASA Assertion Criteria. Collection method: clinical testing. Allele origin: germline.
Comment: NM_001348716.2(KDM6B):c.4868_4869dup (p.Thr1624Alafs*47) is a frameshift variant in KDM6B predicted to alter the reading frame and introduce a premature termination codon and is predicted to result in an absent or altered protein product. Loss of function is an established disease mechanism for KDM6B (PMID: 37196654; PMID: 31124279; PMID: 25363768). Also, this variant is absent from population databases. The currently available literature and clinical evidence are not sufficient to establish a definitive association between this variant and the reported condition. Therefore, this variant is classified as a variant of uncertain significance.

Literature cited by the submitters: PubMed 37196654; PubMed 31124279; PubMed 25363768.

NM_001348716.2(KDM6B):c.4868_4869dup (p.Thr1624fs)

Gene: KDM6B (lysine demethylase 6B; plus strand). Cytogenetic location: 17p13.1.
Variant type: Duplication.
Coding change: c.4868_4869dup on transcript NM_001348716.2 (MANE Select); coding-DNA positions 4868 to 4869, 2 bases duplicated (GC; older notation c.4868_4869dupGC).
Protein change: p.Thr1624fs; shifts the reading frame from threonine 1624.
Molecular consequence: frameshift variant.
Genome position (GRCh38, 1-based): chr17:7,853,340-7,853,341, GC duplicated; duplicating any 2 consecutive bases within chr17:7,853,339-7,853,341 gives the same sequence; the c. name uses the placement nearest the transcript's 3' end. VCF-style (leftmost placement, unchanged base first): chr17-7853338-C-CCG. GRCh37 (hg19) VCF-style: chr17-7756656-C-CCG.
Other names: c.4868_4869dup, p.Thr1624fs (NM_001080424.2); short protein forms T1624fs.
Identifiers: ClinVar variation 4883988 (VCV004883988.2).